The following is an entry in ClinVar:

NM_006904.7(PRKDC):c.17C>A (p.Ala6Asp)

Genes: PRKDC (protein kinase, DNA-activated, catalytic subunit; minus strand), LOC129929030 (ATAC-STARR-seq lymphoblastoid silent region 19177; plus strand). Cytogenetic location: 8q11.21.
Variant type: single nucleotide variant.
Coding change: c.17C>A on transcript NM_006904.7 (MANE Select); coding-DNA position 17, C replaced by A.
Protein change: p.Ala6Asp; replaces alanine 6 with aspartic acid.
Molecular consequence: missense variant.
Genome position (GRCh38, 1-based): chr8:47,960,110, G>T on the plus strand (C>A on the coding strand, the complement: PRKDC is on the minus strand). VCF-style: chr8-47960110-G-T. GRCh37 (hg19) VCF-style: chr8-48872670-G-T.
Other names: c.17C>A, p.Ala6Asp (NM_001081640.2); short protein forms A6D.
Identifiers: ClinVar variation 1780353 (VCV001780353.2), dbSNP rs754453280, ClinGen allele CA371143115.

ClinVar aggregate classification (germline): Uncertain significance (1 of 4 stars; one submission).

Allele frequency attached by ClinVar (database versions not stated): gnomAD 0.00007.
gnomAD v4.1: 15 of 1,506,864 alleles (0.001%); highest among the groups gnomAD compares: Non-Finnish European, 0.0013%; no homozygotes.

Submission:

Ambry Genetics
Classification: Uncertain significance. Last evaluated: 2022-07-27. Review status: criteria provided, single submitter. Criteria: Ambry Variant Classification Scheme 2023. Collection method: clinical testing. Allele origin: germline.
Comment: The p.A6D variant (also known as c.17C>A), located in coding exon 1 of the PRKDC gene, results from a C to A substitution at nucleotide position 17. The alanine at codon 6 is replaced by aspartic acid, an amino acid with dissimilar properties. This amino acid position is conserved. In addition, this alteration is predicted to be tolerated by in silico analysis. Since supporting evidence is limited at this time, the clinical significance of this alteration remains unclear.